The following is an entry in ClinVar:

NM_000815.5(GABRD):c.1100C>T (p.Ala367Val)

Gene: GABRD (gamma-aminobutyric acid type A receptor subunit delta; plus strand). Cytogenetic location: 1p36.33.
Variant type: single nucleotide variant.
Coding change: c.1100C>T on transcript NM_000815.5 (MANE Select); coding-DNA position 1100, C replaced by T.
Protein change: p.Ala367Val; replaces alanine 367 with valine.
Molecular consequence: missense variant.
Genome position (GRCh38, 1-based): chr1:2,030,023, C>T. VCF-style: chr1-2030023-C-T. GRCh37 (hg19) VCF-style: chr1-1961462-C-T.
Other names: short protein forms A367V.
Identifiers: ClinVar variation 1016132 (VCV001016132.8), dbSNP rs1020129541, ClinGen allele CA16891695.

ClinVar aggregate classification (germline): Uncertain significance (1 of 4 stars; one submission).

Conditions:
Idiopathic generalized epilepsy. Also called: EIG; Generalised epilepsy. Identifiers: MedGen C0270850, MONDO:0005579, OMIM 600669.

Allele frequency attached by ClinVar (database versions not stated): gnomAD exomes below 0.00001; gnomAD 0.00001; TOPMed 0.00001.
gnomAD v4.1: 2 of 1,612,574 alleles (0.00012%); highest among the groups gnomAD compares: African/African-American, 0.0027%; no homozygotes.

Submission:

Labcorp Genetics (formerly Invitae), Labcorp
Classification: Uncertain significance for Idiopathic generalized epilepsy. Last evaluated: 2022-07-12. Review status: criteria provided, single submitter. Criteria: Invitae Variant Classification Sherloc (09022015). Collection method: clinical testing. Allele origin: germline.
Comment: This sequence change replaces alanine, which is neutral and non-polar, with valine, which is neutral and non-polar, at codon 367 of the GABRD protein (p.Ala367Val). In summary, the available evidence is currently insufficient to determine the role of this variant in disease. Therefore, it has been classified as a Variant of Uncertain Significance. Algorithms developed to predict the effect of missense changes on protein structure and function (SIFT, PolyPhen-2, Align-GVGD) all suggest that this variant is likely to be tolerated. ClinVar contains an entry for this variant (Variation ID: 1016132). This variant has not been reported in the literature in individuals affected with GABRD-related conditions. This variant is not present in population databases (gnomAD no frequency).